The following is an entry in ClinVar:

ClinVar aggregate classification (germline): Likely benign (0 of 4 stars; one submission).

Conditions:
ACP4-related disorder. Also called: ACP4-related condition.

Allele frequency attached by ClinVar (database versions not stated): TOPMed 0.00012; gnomAD 0.00017; gnomAD exomes 0.00022; 1000 Genomes Project 30x 0.00047; 1000 Genomes Project 0.00060; ExAC 0.00138.
gnomAD v4.1: 339 of 1,551,734 alleles (0.022%); highest among the groups gnomAD compares: South Asian, 0.26%; 3 homozygotes.

Submission:

PreventionGenetics, part of Exact Sciences
Classification: Likely benign for ACP4-related condition. Last evaluated: 2019-02-25. Review status: no assertion criteria provided. Collection method: clinical testing. Allele origin: germline.
Comment: This variant is classified as likely benign based on ACMG/AMP sequence variant interpretation guidelines (Richards et al. 2015 PMID: 25741868, with internal and published modifications).

NM_033068.3(ACP4):c.138G>A (p.Pro46=)

Gene: ACP4 (acid phosphatase 4; plus strand). Cytogenetic location: 19q13.33.
Variant type: single nucleotide variant.
Coding change: c.138G>A on transcript NM_033068.3 (MANE Select); coding-DNA position 138, G replaced by A.
Protein change: p.Pro46=; no amino-acid change (proline 46 retained).
Molecular consequence: synonymous variant.
Genome position (GRCh38, 1-based): chr19:50,790,620, G>A. VCF-style: chr19-50790620-G-A. GRCh37 (hg19) VCF-style: chr19-51293877-G-A.
Identifiers: ClinVar variation 3052299 (VCV003052299.2), dbSNP rs200405470, ClinGen allele CA9602863.